The following is an entry in ClinVar:

ClinVar aggregate classification (germline): Uncertain significance. Review status: criteria provided, multiple submitters, no conflicts (2 of 4 stars). 3 submissions from 3 submitters: Uncertain significance (3). Last evaluated 2025-08-24.

Conditions:
Hereditary cancer-predisposing syndrome. Also called: Tumor predisposition; Hereditary Cancer Syndrome; Hereditary neoplastic syndrome; Neoplastic Syndromes, Hereditary. Identifiers: Orphanet 140162, MedGen C0027672, MeSH D009386, MONDO:0015356.
Endometrial carcinoma. Also called: Endometrial carcinoma, somatic. Identifiers: MedGen C0476089, MONDO:0002447, OMIM 608089, HP:0012114.

Allele frequency attached by ClinVar (database versions not stated): gnomAD exomes below 0.00001.
gnomAD v4.1: 1 of 1,614,132 alleles (0.000062%); highest among the groups gnomAD compares: Admixed American, 0.0017%; no homozygotes.

Submissions (3):

Ambry Genetics
Classification: Uncertain significance for Hereditary cancer-predisposing syndrome. Last evaluated: 2025-08-24. Review status: criteria provided, single submitter. Criteria: Ambry Variant Classification Scheme 2023. Collection method: clinical testing. Allele origin: germline.
Comment: The p.I237T variant (also known as c.710T>C), located in coding exon 4 of the MSH3 gene, results from a T to C substitution at nucleotide position 710. The isoleucine at codon 237 is replaced by threonine, an amino acid with similar properties. This amino acid position is not well conserved in available vertebrate species. In addition, the in silico prediction for this alteration is inconclusive. Since supporting evidence is limited at this time, the clinical significance of this alteration remains unclear.

Labcorp Genetics (formerly Invitae), Labcorp
Classification: Uncertain significance. Last evaluated: 2025-01-23. Review status: criteria provided, single submitter. Criteria: Invitae Variant Classification Sherloc (09022015). Collection method: clinical testing. Allele origin: germline.
Comment: This sequence change replaces isoleucine, which is neutral and non-polar, with threonine, which is neutral and polar, at codon 237 of the MSH3 protein (p.Ile237Thr). This variant is present in population databases (no rsID available, gnomAD 0.003%). This variant has not been reported in the literature in individuals affected with MSH3-related conditions. ClinVar contains an entry for this variant (Variation ID: 1467352). An algorithm developed to predict the effect of missense changes on protein structure and function (PolyPhen-2) suggests that this variant is likely to be disruptive. In summary, the available evidence is currently insufficient to determine the role of this variant in disease. Therefore, it has been classified as a Variant of Uncertain Significance.

Baylor Genetics
Classification: Uncertain significance for Endometrial carcinoma. Last evaluated: 2024-03-21. Review status: criteria provided, single submitter. Criteria: ACMG Guidelines, 2015. Collection method: clinical testing. Allele origin: unknown.

NM_002439.5(MSH3):c.710T>C (p.Ile237Thr)

Gene: MSH3 (mutS homolog 3; plus strand). Cytogenetic location: 5q14.1.
Variant type: single nucleotide variant.
Coding change: c.710T>C on transcript NM_002439.5 (MANE Select); coding-DNA position 710, T replaced by C.
Protein change: p.Ile237Thr; replaces isoleucine 237 with threonine.
Molecular consequence: missense variant.
Genome position (GRCh38, 1-based): chr5:80,670,227, T>C. VCF-style: chr5-80670227-T-C. GRCh37 (hg19) VCF-style: chr5-79966046-T-C.
Other names: short protein forms I237T.
Identifiers: ClinVar variation 1467352 (VCV001467352.10), dbSNP rs1451728655, ClinGen allele CA360266843.